The following is an entry in ClinVar:

ClinVar aggregate classification (germline): Pathogenic (1 of 4 stars; one submission).

Conditions:
Hereditary cancer-predisposing syndrome. Also called: Tumor predisposition; Hereditary neoplastic syndrome; Hereditary Cancer Syndrome; Neoplastic Syndromes, Hereditary. Identifiers: Orphanet 140162, MedGen C0027672, MeSH D009386, MONDO:0015356.

Submission:

Ambry Genetics
Classification: Pathogenic for Hereditary cancer-predisposing syndrome. Last evaluated: 2024-03-04. Review status: criteria provided, single submitter. Criteria: Ambry Variant Classification Scheme 2023. Collection method: clinical testing. Allele origin: germline.
Comment: The c.2149delG pathogenic mutation, located in coding exon 15 of the MSH3 gene, results from a deletion of one nucleotide at nucleotide position 2149, causing a translational frameshift with a predicted alternate stop codon (p.D717Mfs*21). This alteration is expected to result in loss of function by premature protein truncation or nonsense-mediated mRNA decay. As such, this alteration is interpreted as a disease-causing mutation.

NM_002439.5(MSH3):c.2149del (p.Asp717fs)

Gene: MSH3 (mutS homolog 3; plus strand). Cytogenetic location: 5q14.1.
Variant type: Deletion.
Coding change: c.2149del on transcript NM_002439.5 (MANE Select); coding-DNA position 2149, one base deleted (G; older notation c.2149delG).
Protein change: p.Asp717fs; shifts the reading frame from aspartic acid 717.
Molecular consequence: frameshift variant.
Genome position (GRCh38, 1-based): chr5:80,768,899, G deleted; the last of 2 consecutive G bases (chr5:80,768,898-80,768,899); deleting either gives the same sequence. VCF-style (leftmost placement, unchanged base first): chr5-80768897-AG-A. GRCh37 (hg19) VCF-style: chr5-80064716-AG-A.
Other names: short protein forms D717fs.
Identifiers: ClinVar variation 3222254 (VCV003222254.1), dbSNP rs2546774248, ClinGen allele CA2825001438.
Genomic context (GRCh38, chr5:80,768,897, plus strand): 5'-TTGGGGATAAAACTGAATTATTTAAAGACCTTTCTGACTTCCCTTTAATAAAAAAGAGGA[AG>A]GATGAAATTCAAGGTGTTATTGACGAGATCCGAATGCATTTGCAAGAAATACGAAAAATA-3'